The following is an entry in ClinVar:

NM_001844.5(COL2A1):c.3527G>A (p.Gly1176Asp)

Gene: COL2A1 (collagen type II alpha 1 chain; minus strand). Cytogenetic location: 12q13.11.
Variant type: single nucleotide variant.
Coding change: c.3527G>A on transcript NM_001844.5 (MANE Select); coding-DNA position 3527, G replaced by A.
Protein change: p.Gly1176Asp; replaces glycine 1176 with aspartic acid.
Molecular consequence: missense variant.
Genome position (GRCh38, 1-based): chr12:47,976,033, C>T on the plus strand (G>A on the coding strand, the complement: COL2A1 is on the minus strand). VCF-style: chr12-47976033-C-T. GRCh37 (hg19) VCF-style: chr12-48369816-C-T.
Other names: c.3320G>A, p.Gly1107Asp (NM_033150.3); short protein forms G1107D, G1176D.
Identifiers: ClinVar variation 806872 (VCV000806872.47), dbSNP rs1592197752, ClinGen allele CA384537387.
Genomic context (GRCh38, chr12:47,976,033, plus strand): 5'-GTTTCGCCTGATCGTCCACGGGGACCAGGAGGCCCAATGGGGCCAGGGATTCCATTAGCA[C>T]CATCTTTGCCAGAGGGACCGACGGGGCCAGGAGGACCCTGCAAGAGAGAGAGGTCGTGAG-3'
Protein context (NP_001835.3, residues 1166-1186): PGPVGPSGKD[Gly1176Asp]ANGIPGPIGP

ClinVar aggregate classification (germline): Pathogenic/Likely pathogenic. Review status: criteria provided, multiple submitters, no conflicts (2 of 4 stars). 3 submissions from 3 submitters: Pathogenic (1); Likely pathogenic (2). Last evaluated 2025-03-25.

Conditions:
Spondyloepiphyseal dysplasia congenita (SEDC). Also called: SED CONGENITA; SPONDYLOEPIPHYSEAL DYSPLASIA, CONGENITAL TYPE. Identifiers: Orphanet 94068, MedGen C2745959, MONDO:0008471, OMIM 183900.

Submissions (3):

Département de biologie moléculaire et de génétique – Genomaf (Génome africain), Anoual Centre
Classification: Pathogenic for Spondyloepiphyseal dysplasia congenita. Last evaluated: 2025-03-25. Review status: criteria provided, single submitter. Criteria: ACMG Guidelines, 2015. Collection method: clinical testing. Allele origin: germline. Inheritance: Autosomal dominant inheritance. Affected: yes. Observed: 1 variant allele, 1 heterozygote.
Comment: This variant is classified as Pathogenic according to ACMG/AMP guidelines, based on a convergent body of genetic, population, in silico, and functional evidence. The variant is absent or extremely rare in population databases (gnomAD), consistent with the PM2 criterion. Multiple in silico prediction tools (SIFT, PolyPhen-2, MutationTaster, CADD) consistently predict a deleterious effect on protein function (PP3). Molecular dynamics simulations performed in this study further demonstrate significant destabilization of protein structure and conformational dynamics relative to wild-type, providing complementary functional evidence of a deleterious impact. The patient's clinical phenotype is consistent with the phenotypic spectrum associated with this gene (PP4), and the gene-disease relationship is well established in the literature. Integration of these lines of evidence population rarity, concordant in silico predictions, structural destabilization demonstrated by molecular modeling, and phenotypic correlation meets ACMG/AMP criteria and supports a Pathogenic classification.

Labcorp Genetics (formerly Invitae), Labcorp
Classification: Likely pathogenic. Last evaluated: 2022-05-17. Review status: criteria provided, single submitter. Criteria: Invitae Variant Classification Sherloc (09022015). Collection method: clinical testing. Allele origin: germline.
Comment: This sequence change replaces glycine, which is neutral and non-polar, with aspartic acid, which is acidic and polar, at codon 1176 of the COL2A1 protein (p.Gly1176Asp). This variant is not present in population databases (gnomAD no frequency). This missense change has been observed in individual(s) with type II collagenopathy (PMID: 26402641). ClinVar contains an entry for this variant (Variation ID: 806872). Advanced modeling of protein sequence and biophysical properties (such as structural, functional, and spatial information, amino acid conservation, physicochemical variation, residue mobility, and thermodynamic stability) performed at Invitae indicates that this missense variant is expected to disrupt COL2A1 protein function. This variant disrupts the triple helix domain of COL2A1. Glycine residues within the Gly-Xaa-Yaa repeats of the triple helix domain are required for the structure and stability of fibrillar collagens (PMID: 7695699, 8218237, 19344236). In COL2A1, variants affecting these glycine residues are significantly enriched in individuals with disease (PMID: 9016532, 17078022) compared to the general population (ExAC). In summary, the currently available evidence indicates that the variant is pathogenic, but additional data are needed to prove that conclusively. Therefore, this variant has been classified as Likely Pathogenic.

CeGaT Center for Human Genetics Tuebingen
Classification: Likely pathogenic. Last evaluated: 2019-01-01. Review status: criteria provided, single submitter. Criteria: CeGaT Center For Human Genetics Tuebingen Variant Classification Criteria Version 2. Collection method: clinical testing. Allele origin: germline. Affected: yes. Observed: 1 variant allele.

Literature cited by the submitters: DOI 10.3390/children9081229 (cited by Département de biologie moléculaire et de génétique – Genomaf (Génome africain), Anoual Centre); PubMed 26402641 (cited by Labcorp Genetics (formerly Invitae), Labcorp); PubMed 7695699 (cited by Labcorp Genetics (formerly Invitae), Labcorp); PubMed 8218237 (cited by Labcorp Genetics (formerly Invitae), Labcorp); PubMed 19344236 (cited by Labcorp Genetics (formerly Invitae), Labcorp); PubMed 9016532 (cited by Labcorp Genetics (formerly Invitae), Labcorp); PubMed 17078022 (cited by Labcorp Genetics (formerly Invitae), Labcorp).